The following is an entry in ClinVar:

NM_030780.5(SLC25A32):c.236G>A (p.Arg79Gln)

Gene: SLC25A32 (solute carrier family 25 member 32; minus strand). Cytogenetic location: 8q22.3.
Variant type: single nucleotide variant.
Coding change: c.236G>A on transcript NM_030780.5 (MANE Select); coding-DNA position 236, G replaced by A.
Protein change: p.Arg79Gln; replaces arginine 79 with glutamine.
Molecular consequence: missense variant. On other transcripts: non-coding transcript variant (2).
Genome position (GRCh38, 1-based): chr8:103,407,703, C>T on the plus strand (G>A on the coding strand, the complement: SLC25A32 is on the minus strand). VCF-style: chr8-103407703-C-T. GRCh37 (hg19) VCF-style: chr8-104419931-C-T.
Other names: c.236G>A (NM_030780.3); short protein forms R79Q.
Identifiers: ClinVar variation 1912152 (VCV001912152.6), dbSNP rs374819911, ClinGen allele CA4835533.

ClinVar aggregate classification (germline): Uncertain significance. Review status: criteria provided, multiple submitters, no conflicts (2 of 4 stars). 2 submissions from 2 submitters: Uncertain significance (2). Last evaluated 2025-09-25.

Allele frequency attached by ClinVar (database versions not stated): gnomAD 0.00001; TOPMed 0.00001; ExAC 0.00002; ESP Exome Variant Server 0.00008.
gnomAD v4.1: 17 of 1,612,304 alleles (0.0011%); highest among the groups gnomAD compares: South Asian, 0.0044%; no homozygotes.

Submissions (2):

Labcorp Genetics (formerly Invitae), Labcorp
Classification: Uncertain significance. Last evaluated: 2025-09-25. Review status: criteria provided, single submitter. Criteria: Invitae Variant Classification Sherloc (09022015). Collection method: clinical testing. Allele origin: germline.
Comment: This sequence change replaces arginine, which is basic and polar, with glutamine, which is neutral and polar, at codon 79 of the SLC25A32 protein (p.Arg79Gln). This variant is present in population databases (rs374819911, gnomAD 0.003%). This variant has not been reported in the literature in individuals affected with SLC25A32-related conditions. ClinVar contains an entry for this variant (Variation ID: 1912152). Invitae Evidence Modeling of protein sequence and biophysical properties (such as structural, functional, and spatial information, amino acid conservation, physicochemical variation, residue mobility, and thermodynamic stability) indicates that this missense variant is not expected to disrupt SLC25A32 protein function with a negative predictive value of 80%. In summary, the available evidence is currently insufficient to determine the role of this variant in disease. Therefore, it has been classified as a Variant of Uncertain Significance.

Ambry Genetics
Classification: Uncertain significance. Last evaluated: 2025-01-14. Review status: criteria provided, single submitter. Criteria: Ambry Variant Classification Scheme 2023. Collection method: clinical testing. Allele origin: germline.